The following is an entry in ClinVar:

NM_001267550.2(TTN):c.69421_69422insAAAAG (p.Gly23141fs)

Genes: TTN (titin; minus strand), TTN-AS1 (TTN antisense RNA 1; plus strand). Cytogenetic location: 2q31.2.
Variant type: Insertion.
Coding change: c.69421_69422insAAAAG on transcript NM_001267550.2 (MANE Select); coding-DNA positions 69421 to 69422, AAAAG inserted.
Protein change: p.Gly23141fs; shifts the reading frame from glycine 23141.
Molecular consequence: frameshift variant.
Genome position: GRCh38 VCF-style: chr2-178576822-C-CCTTTT. GRCh37 (hg19) VCF-style: chr2-179441549-C-CCTTTT.
Other names: c.64498_64499insAAAAG, p.Gly21500fs (NM_001256850.1); c.42226_42227insAAAAG, p.Gly14076fs (NM_003319.4); c.61717_61718insAAAAG, p.Gly20573fs (NM_133378.4); c.42601_42602insAAAAG, p.Gly14201fs (NM_133432.3); c.42802_42803insAAAAG, p.Gly14268fs (NM_133437.4); short protein forms G14076fs, G14201fs, G14268fs, G20573fs, G21500fs, G23141fs.
Identifiers: ClinVar variation 1067013 (VCV001067013.8), dbSNP rs1247353236, ClinGen allele CA538435357.

ClinVar aggregate classification (germline): Pathogenic/Likely pathogenic. Review status: criteria provided, multiple submitters, no conflicts (2 of 4 stars). 5 submissions from 5 submitters: Pathogenic (1); Likely pathogenic (3). 1 of the submissions does not count toward it. Last evaluated 2024-11-16.

Conditions:
Myopathy, myofibrillar, 9, with early respiratory failure (MFM9). Also called: Myopathy, distal, with early respiratory failure, autosomal dominant; EDSTROM MYOPATHY; MYOPATHY, PROXIMAL, WITH EARLY RESPIRATORY MUSCLE INVOLVEMENT; Hereditary myopathy with early respiratory failure. Identifiers: Orphanet 178464, Orphanet 34521, MedGen C1863599, MONDO:0011362, OMIM 603689.
TTN-related disorder. Also called: TTN-related condition; TTN-related disease; TTN-related disorders.
Cardiovascular phenotype. Identifiers: MedGen CN230736.
Autosomal recessive limb-girdle muscular dystrophy type 2J (LGMDR10). Also called: MUSCULAR DYSTROPHY, LIMB-GIRDLE, AUTOSOMAL RECESSIVE 10; Limb-girdle muscular dystrophy, type 2J. Identifiers: Orphanet 140922, MedGen C1837342, MONDO:0012127, OMIM 608807.
Dilated cardiomyopathy 1G (CMD1G). Identifiers: Orphanet 154, MedGen C1858763, MONDO:0011400, OMIM 604145.
Hypertrophic cardiomyopathy 9. Also called: Familial hypertrophic cardiomyopathy 9. Identifiers: MedGen C1861065, MONDO:0013412, OMIM 613765.

Submissions (5):

Labcorp Genetics (formerly Invitae), Labcorp
Classification: Pathogenic for Dilated cardiomyopathy 1G; Autosomal recessive limb-girdle muscular dystrophy type 2J. Last evaluated: 2024-11-16. Review status: criteria provided, single submitter. Criteria: Invitae Variant Classification Sherloc (09022015). Collection method: clinical testing. Allele origin: germline.
Comment: This sequence change creates a premature translational stop signal (p.Gly23141Glufs*38) in the TTN gene. While this is not anticipated to result in nonsense mediated decay, it is expected to create a truncated TTN protein. This variant is present in population databases (no rsID available, gnomAD 0.007%). This premature translational stop signal has been observed in individuals with dilated cardiomyopathy (PMID: 30535219, 31931689, 34495297; internal data). ClinVar contains an entry for this variant (Variation ID: 1067013). This variant is located in the A band of TTN (PMID: 25589632). Truncating variants in this region are significantly overrepresented in patients affected with dilated cardiomyopathy (PMID: 25589632). Truncating variants in this region have also been reported in individuals affected with autosomal recessive centronuclear myopathy (PMID: 23975875). For these reasons, this variant has been classified as Pathogenic.

Ambry Genetics
Classification: Likely pathogenic for Cardiovascular phenotype. Last evaluated: 2024-07-30. Review status: criteria provided, single submitter. Criteria: Ambry Variant Classification Scheme 2023. Collection method: clinical testing. Allele origin: germline.
Comment: The c.42226_42227insAAAAG variant, located in coding exon 152 of the TTN gene, results from an insertion of 5 nucleotides at position 42226, causing a translational frameshift with a predicted alternate stop codon (p.G14076Efs*38). This exon is located in the A-band region of the N2-B isoform of the titin protein and is constitutively expressed in TTN transcripts (percent spliced in or PSI 100%). This variant is considered to be rare based on population cohorts in the Genome Aggregation Database (gnomAD). This alteration is expected to result in loss of function by premature protein truncation or nonsense-mediated mRNA decay. While truncating variants in TTN are present in 1-3% of the general population, truncating variants in the A-band are the most common cause of dilated cardiomyopathy (DCM) (Herman DS et al. N. Engl. J. Med., 2012 Feb;366:619-28; Roberts AM et al. Sci Transl Med, 2015 Jan;7:270ra6). TTN truncating variants encoded in constitutive exons (PSI >90%) have been found to be significantly associated with DCM regardless of their position in titin (Schafer S et al. Nat. Genet., 2017 01;49:46-53). Based on the majority of available evidence to date, this variant is likely to be pathogenic.

Clinical Genomics Laboratory, Washington University in St. Louis
Classification: Likely pathogenic for Hypertrophic cardiomyopathy 9; Dilated cardiomyopathy 1G. Last evaluated: 2024-07-10. Review status: criteria provided, single submitter. Criteria: ACMG Guidelines, 2015. Collection method: clinical testing. Allele origin: germline. Affected: yes.
Comment: The TTN c.69421_69422insAAAAG (p.Gly23141Glufs*38) variant has been reported in 2 individuals affected with dilated cardiomyopathy or atrial fibrillation (Choi SH et al., PMID: 30535219; Ramchand J et al., PMID: 31931689). This variant is only observed on 1 out of 31,354 alleles in the general population (gnomAD v.2.1.1), indicating it is not a common variant. This variant causes a premature termination codon. Based on available information and the ACMG/AMP guidelines for variant interpretation (Richards S et al., PMID: 25741868), this variant is classified as likely pathogenic.

Blueprint Genetics
Classification: Likely pathogenic for TTN-related disorders. Last evaluated: 2021-11-04. Review status: criteria provided, single submitter. Criteria: ACMG Guidelines, 2015. Collection method: clinical testing. Allele origin: germline. Affected: yes. Observed: 1 variant allele.

Genomics England Pilot Project, Genomics England
Classification: Likely pathogenic for Myopathy, myofibrillar, 9, with early respiratory failure. Review status: no assertion criteria provided. Criteria: ACGS Guidelines, 2016. Collection method: clinical testing. Allele origin: germline. Affected: yes. Not counted in ClinVar's aggregate classification.

Literature cited by the submitters: PubMed 30535219 (cited by Labcorp Genetics (formerly Invitae), Labcorp and Ambry Genetics); PubMed 31931689 (cited by Labcorp Genetics (formerly Invitae), Labcorp and Ambry Genetics); PubMed 34495297 (cited by Labcorp Genetics (formerly Invitae), Labcorp); PubMed 25589632 (cited by Labcorp Genetics (formerly Invitae), Labcorp); PubMed 23975875 (cited by Labcorp Genetics (formerly Invitae), Labcorp).